The following is an entry in ClinVar:

NM_018451.5(CPAP):c.622A>G (p.Thr208Ala)

Gene: CPAP (centrosome assembly and centriole elongation protein; minus strand). Cytogenetic location: 13q12.13.
Variant type: single nucleotide variant.
Coding change: c.622A>G on transcript NM_018451.5 (MANE Select); coding-DNA position 622, A replaced by G.
Protein change: p.Thr208Ala; replaces threonine 208 with alanine.
Molecular consequence: missense variant. On other transcripts: non-coding transcript variant (2).
Genome position (GRCh38, 1-based): chr13:24,910,033, T>C on the plus strand (A>G on the coding strand, the complement: CPAP is on the minus strand). VCF-style: chr13-24910033-T-C. GRCh37 (hg19) VCF-style: chr13-25484171-T-C.
Other names: short protein forms T208A.
Identifiers: ClinVar variation 881363 (VCV000881363.11), dbSNP rs199925549, ClinGen allele CA6919952.

ClinVar aggregate classification (germline): Conflicting classifications of pathogenicity. Review status: criteria provided, conflicting classifications (1 of 4 stars). 6 submissions from 5 submitters: Uncertain significance (3); Likely benign (1). 2 of the submissions do not count toward it. Last evaluated 2023-11-24.

Conditions:
Seckel syndrome 4 (SCKL4). Identifiers: Orphanet 808, MedGen C3888212, MONDO:0013358, OMIM 613676.
Microcephaly 6, primary, autosomal recessive. Identifiers: Orphanet 2512, MedGen C1842109, MONDO:0012029, OMIM 608393.

Allele frequency attached by ClinVar (database versions not stated): TOPMed 0.00008; ExAC 0.00010; gnomAD 0.00010 and 0.00011; gnomAD exomes 0.00010 and 0.00016.
gnomAD v4.1: 245 of 1,613,726 alleles (0.015%); highest among the groups gnomAD compares: Non-Finnish European, 0.019%; 1 homozygote.

Submissions (6):

Blueprint Genetics
Classification: Likely benign. Last evaluated: 2023-11-24. Review status: criteria provided, single submitter. Criteria: ACMG Guidelines, 2015. Collection method: clinical testing. Allele origin: germline.

Labcorp Genetics (formerly Invitae), Labcorp
Classification: Uncertain significance. Last evaluated: 2021-09-24. Review status: criteria provided, single submitter. Criteria: Invitae Variant Classification Sherloc (09022015). Collection method: clinical testing. Allele origin: germline.
Comment: This sequence change replaces threonine with alanine at codon 208 of the CENPJ protein (p.Thr208Ala). The threonine residue is weakly conserved and there is a small physicochemical difference between threonine and alanine. This variant is present in population databases (rs199925549, ExAC 0.02%). This variant has not been reported in the literature in individuals affected with CENPJ-related conditions. ClinVar contains an entry for this variant (Variation ID: 881363). Algorithms developed to predict the effect of missense changes on protein structure and function output the following: SIFT: "Tolerated"; PolyPhen-2: "Benign"; Align-GVGD: "Class C0". The alanine amino acid residue is found in multiple mammalian species, which suggests that this missense change does not adversely affect protein function. In summary, the available evidence is currently insufficient to determine the role of this variant in disease. Therefore, it has been classified as a Variant of Uncertain Significance.

Illumina Laboratory Services, Illumina
Classification: Uncertain significance for Seckel syndrome 4. Last evaluated: 2018-01-13. Review status: criteria provided, single submitter. Criteria: ICSL Variant Classification Criteria 13 December 2019. Collection method: clinical testing. Allele origin: germline.

Illumina Laboratory Services, Illumina
Classification: Uncertain significance for Microcephaly 6, primary, autosomal recessive. Last evaluated: 2018-01-13. Review status: criteria provided, single submitter. Criteria: ICSL Variant Classification Criteria 13 December 2019. Collection method: clinical testing. Allele origin: germline.

Clinical Genetics DNA and cytogenetics Diagnostics Lab, Erasmus MC, Erasmus Medical Center
Classification: Likely benign. Review status: no assertion criteria provided. Collection method: clinical testing. Allele origin: germline. Affected: yes. Study: VKGL Data-share Consensus. Not counted in ClinVar's aggregate classification.

Laboratory of Diagnostic Genome Analysis, Leiden University Medical Center (LUMC)
Classification: Likely benign. Review status: no assertion criteria provided. Collection method: clinical testing. Allele origin: germline. Affected: yes. Study: VKGL Data-share Consensus. Not counted in ClinVar's aggregate classification.